The following is an entry in ClinVar:

ClinVar aggregate classification (germline): Uncertain significance. Review status: criteria provided, multiple submitters, no conflicts (2 of 4 stars). 2 submissions from 2 submitters: Uncertain significance (2). Last evaluated 2026-01-14.

Conditions:
Dilated cardiomyopathy 1R (CMD1R). Identifiers: Orphanet 154, Orphanet 54260, MedGen C3150681, MONDO:0013261, OMIM 613424.
Hypertrophic cardiomyopathy 11. Also called: ACTC1-Related Familial Hypertrophic Cardiomyopathy. Identifiers: MedGen C2677506, MONDO:0012799, OMIM 612098.
Atrial septal defect 5 (ASD5). Identifiers: Orphanet 1478, MedGen C2748552, MONDO:0013011, OMIM 612794.

Submissions (2):

Labcorp Genetics (formerly Invitae), Labcorp
Classification: Uncertain significance for Dilated cardiomyopathy 1R; Hypertrophic cardiomyopathy 11; Atrial septal defect 5. Last evaluated: 2026-01-14. Review status: criteria provided, single submitter. Criteria: Invitae Variant Classification Sherloc (09022015). Collection method: clinical testing. Allele origin: germline.
Comment: This sequence change replaces histidine, which is basic and polar, with arginine, which is basic and polar, at codon 89 of the ACTC1 protein (p.His89Arg). This variant is not present in population databases (gnomAD no frequency). This variant has not been reported in the literature in individuals affected with ACTC1-related conditions. Invitae Evidence Modeling of protein sequence and biophysical properties (such as structural, functional, and spatial information, amino acid conservation, physicochemical variation, residue mobility, and thermodynamic stability) indicates that this missense variant is not expected to disrupt ACTC1 protein function with a negative predictive value of 80%. In summary, the available evidence is currently insufficient to determine the role of this variant in disease. Therefore, it has been classified as a Variant of Uncertain Significance.

Greenwood Genetic Center Diagnostic Laboratories, Greenwood Genetic Center
Classification: Uncertain significance. Last evaluated: 2025-06-13. Review status: criteria provided, single submitter. Criteria: ACMG Guidelines, 2015. Collection method: clinical testing. Allele origin: germline. Affected: yes.
Comment: PM2, PP2, PP3

NM_005159.5(ACTC1):c.266A>G (p.His89Arg)

Genes: GJD2-DT (GJD2 divergent transcript; plus strand), ACTC1 (actin alpha cardiac muscle 1; minus strand). Cytogenetic location: 15q14.
Variant type: single nucleotide variant.
Coding change: c.266A>G on transcript NM_005159.5 (MANE Select); coding-DNA position 266, A replaced by G.
Protein change: p.His89Arg; replaces histidine 89 with arginine.
Molecular consequence: missense variant. On other transcripts: 5 prime UTR variant (1).
Genome position (GRCh38, 1-based): chr15:34,793,433, T>C on the plus strand (A>G on the coding strand, the complement: ACTC1 is on the minus strand). VCF-style: chr15-34793433-T-C. GRCh37 (hg19) VCF-style: chr15-35085634-T-C.
Other names: c.266A>G, p.His89Arg (NM_001406482.1, NM_001406483.1); c.131A>G, p.His44Arg (NM_001406484.1); c.-123A>G (NM_001406485.1); short protein forms H44R, H89R.
Identifiers: ClinVar variation 4538310 (VCV004538310.2).